The following is an entry in ClinVar:

NM_013447.4(ADGRE2):c.122A>G (p.Asn41Ser)

Gene: ADGRE2 (adhesion G protein-coupled receptor E2; minus strand). Cytogenetic location: 19p13.12.
Variant type: single nucleotide variant.
Coding change: c.122A>G on transcript NM_013447.4 (MANE Select); coding-DNA position 122, A replaced by G.
Protein change: p.Asn41Ser; replaces asparagine 41 with serine.
Molecular consequence: missense variant.
Genome position (GRCh38, 1-based): chr19:14,774,015, T>C on the plus strand (A>G on the coding strand, the complement: ADGRE2 is on the minus strand). VCF-style: chr19-14774015-T-C. GRCh37 (hg19) VCF-style: chr19-14884827-T-C.
Other names: c.122A>G, p.Asn41Ser (NM_001271052.1, NM_152916.2, NM_152917.2); c.122A>G (NM_013447.2); short protein forms N41S.
Identifiers: ClinVar variation 2989860 (VCV002989860.4), dbSNP rs796249348, ClinGen allele CA305726466.
Genomic context (GRCh38, chr19:14,774,015, plus strand): 5'-GGGGTGGTGATGATCTCAGAAAAAGAGCTGAACCCTGGATTGCAGCGACAGGCGGTGGCA[T>C]TGACACACGAGGAGTCCTGAGGGCACCACCGGGCACAGCCTGCAAGAGCAGGGAGCACGG-3'
Protein context (NP_038475.2, residues 31-51): RWCPQDSSCV[Asn41Ser]ATACRCNPGF

ClinVar aggregate classification (germline): Uncertain significance. Review status: criteria provided, multiple submitters, no conflicts (2 of 4 stars). 2 submissions from 2 submitters: Uncertain significance (2). Last evaluated 2024-03-15.

Allele frequency attached by ClinVar (database versions not stated): gnomAD 0.00001; TOPMed 0.00001.

Submissions (2):

Ambry Genetics
Classification: Uncertain significance. Last evaluated: 2024-03-15. Review status: criteria provided, single submitter. Criteria: Ambry Variant Classification Scheme 2023. Collection method: clinical testing. Allele origin: germline.

Labcorp Genetics (formerly Invitae), Labcorp
Classification: Uncertain significance. Last evaluated: 2023-11-19. Review status: criteria provided, single submitter. Criteria: Invitae Variant Classification Sherloc (09022015). Collection method: clinical testing. Allele origin: germline.
Comment: This sequence change replaces asparagine, which is neutral and polar, with serine, which is neutral and polar, at codon 41 of the ADGRE2 protein (p.Asn41Ser). This variant is not present in population databases (gnomAD no frequency). This variant has not been reported in the literature in individuals affected with ADGRE2-related conditions. Algorithms developed to predict the effect of missense changes on protein structure and function output the following: SIFT: "Not Available"; PolyPhen-2: "Benign"; Align-GVGD: "Not Available". The serine amino acid residue is found in multiple mammalian species, which suggests that this missense change does not adversely affect protein function. In summary, the available evidence is currently insufficient to determine the role of this variant in disease. Therefore, it has been classified as a Variant of Uncertain Significance.